The following is an entry in ClinVar:

NM_002894.3(RBBP8):c.425T>C (p.Ile142Thr)

Gene: RBBP8 (RB binding protein 8, endonuclease; plus strand). Cytogenetic location: 18q11.2.
Variant type: single nucleotide variant.
Coding change: c.425T>C on transcript NM_002894.3 (MANE Select); coding-DNA position 425, T replaced by C.
Protein change: p.Ile142Thr; replaces isoleucine 142 with threonine.
Molecular consequence: missense variant.
Genome position (GRCh38, 1-based): chr18:22,975,216, T>C. VCF-style: chr18-22975216-T-C. GRCh37 (hg19) VCF-style: chr18-20555179-T-C.
Other names: c.425T>C, p.Ile142Thr (NM_203291.2, NM_203292.2); short protein forms I142T.
Identifiers: ClinVar variation 2229963 (VCV002229963.2), dbSNP rs768757319, ClinGen allele CA8909809.

ClinVar aggregate classification (germline): Uncertain significance (1 of 4 stars; one submission).

Conditions:
Inborn genetic diseases. Identifiers: MedGen C0950123, MeSH D030342.

Allele frequency attached by ClinVar (database versions not stated): gnomAD 0.00001; gnomAD exomes 0.00002; TOPMed 0.00003; ExAC 0.00004.
gnomAD v4.1: 28 of 1,612,528 alleles (0.0017%); highest among the groups gnomAD compares: Middle Eastern, 0.033%; no homozygotes.

Submission:

Ambry Genetics
Classification: Uncertain significance for Inborn genetic diseases. Last evaluated: 2021-03-19. Review status: criteria provided, single submitter. Criteria: Ambry Variant Classification Scheme 2023. Collection method: clinical testing. Allele origin: germline.
Comment: The c.425T>C (p.I142T) alteration is located in exon 6 (coding exon 5) of the RBBP8 gene. This alteration results from a T to C substitution at nucleotide position 425, causing the isoleucine (I) at amino acid position 142 to be replaced by a threonine (T). The p.I142T alteration is predicted to be tolerated by in silico analysis. Based on insufficient or conflicting evidence, the clinical significance of this alteration remains unclear.